The following is an entry in ClinVar:

ClinVar aggregate classification (germline): Uncertain significance (1 of 4 stars; one submission).

Conditions:
Combined oxidative phosphorylation defect type 24. Also called: Combined oxidative phosphorylation deficiency 24. Identifiers: Orphanet 444458, MedGen C4015643, MONDO:0014547, OMIM 616239.

Submission:

Foundation for Research in Genetics and Endocrinology, FRIGE's Institute of Human Genetics
Classification: Uncertain significance for Combined oxidative phosphorylation defect type 24. Last evaluated: 2022-01-31. Review status: criteria provided, single submitter. Criteria: ACMG Guidelines, 2015. Collection method: clinical testing. Allele origin: germline. Inheritance: Autosomal recessive inheritance. Affected: yes. Observed: 1 homozygote.
Comment: A homozygous missense variation c.892T>A in exon 8 of the NARS2 gene that results in the amino acid substitution of Serine for Cysteine at codon 298 (p.Cys298Ser) was detected. The p.Cys298Ser variant has not been reported in the 1000 genomes and gnomAD databases . The in silico predictions of the variant is damaging by SIFT and LRT. The reference codon is conserved across mammals. In summary, the variant meets our criteria to be classified as a variant of uncertain significance.

NM_024678.6(NARS2):c.892T>A (p.Cys298Ser)

Gene: NARS2 (asparaginyl-tRNA synthetase 2, mitochondrial; minus strand). Cytogenetic location: 11q14.1.
Variant type: single nucleotide variant.
Coding change: c.892T>A on transcript NM_024678.6 (MANE Select); coding-DNA position 892, T replaced by A.
Protein change: p.Cys298Ser; replaces cysteine 298 with serine.
Molecular consequence: missense variant.
Genome position (GRCh38, 1-based): chr11:78,478,614, A>T on the plus strand (T>A on the coding strand, the complement: NARS2 is on the minus strand). VCF-style: chr11-78478614-A-T. GRCh37 (hg19) VCF-style: chr11-78189660-A-T.
Other names: p.Cys298Ser; c.211T>A, p.Cys71Ser (NM_001243251.2); short protein forms C298S, C71S.
Identifiers: ClinVar variation 1704210 (VCV001704210.3), dbSNP rs2496369404, ClinGen allele CA382177016.
Genomic context (GRCh38, chr11:78,478,614, plus strand): 5'-TGTATTGGGCTTTATCCATAAAACTAATTACCTTTTGGCCAGGTGCTATGAATTTGTGAC[A>T]GAGTTCAACATCTTCAGGACATTTTGAGAGAACCATCATTGTTGTAGCCTTGAACAGTTC-3'
Protein context (NP_078954.4, residues 288-308): LSKCPEDVEL[Cys298Ser]HKFIAPGQKD